The following is an entry in ClinVar:

ClinVar aggregate classification (germline): Likely benign. Review status: criteria provided, multiple submitters, no conflicts (2 of 4 stars). 2 submissions from 2 submitters: Likely benign (2). Last evaluated 2025-08-30.

Conditions:
Hereditary cancer-predisposing syndrome. Also called: Neoplastic Syndromes, Hereditary; Tumor predisposition; Hereditary Cancer Syndrome; Hereditary neoplastic syndrome. Identifiers: Orphanet 140162, MedGen C0027672, MeSH D009386, MONDO:0015356.
Cardiovascular phenotype. Identifiers: MedGen CN230736.

Submissions (2):

Ambry Genetics
Classification: Likely benign for Cardiovascular phenotype; Hereditary cancer-predisposing syndrome. Last evaluated: 2025-08-30. Review status: criteria provided, single submitter. Criteria: Ambry Variant Classification Scheme 2023. Collection method: clinical testing. Allele origin: germline.

CeGaT Center for Human Genetics Tuebingen
Classification: Likely benign. Last evaluated: 2025-08-01. Review status: criteria provided, single submitter. Criteria: CeGaT Center For Human Genetics Tuebingen Variant Classification Criteria Version 2. Collection method: clinical testing. Allele origin: germline. Affected: yes. Observed: 1 variant allele.
Comment: NF1: PM2:Supporting, BP4, BP7

NM_001042492.3(NF1):c.6759G>C (p.Gly2253=)

Gene: NF1 (neurofibromin 1; plus strand). Cytogenetic location: 17q11.2.
Variant type: single nucleotide variant.
Coding change: c.6759G>C on transcript NM_001042492.3 (MANE Select); coding-DNA position 6759, G replaced by C.
Protein change: p.Gly2253=; no amino-acid change (glycine 2253 retained).
Molecular consequence: synonymous variant.
Genome position (GRCh38, 1-based): chr17:31,338,079, G>C. VCF-style: chr17-31338079-G-C. GRCh37 (hg19) VCF-style: chr17-29665097-G-C.
Other names: c.6696G>C, p.Gly2232= (NM_000267.4).
Identifiers: ClinVar variation 4083889 (VCV004083889.9).